The following is an entry in ClinVar:

ClinVar aggregate classification (germline): Uncertain significance (1 of 4 stars; one submission).

Allele frequency attached by ClinVar (database versions not stated): TOPMed below 0.00001; gnomAD 0.00001; ESP Exome Variant Server 0.00008; gnomAD exomes below 0.00001; ExAC 0.00001.
gnomAD v4.1: 1 of 1,614,052 alleles (0.000062%); highest among the groups gnomAD compares: African/African-American, 0.0013%; no homozygotes.

Submission:

GeneDx
Classification: Uncertain significance. Last evaluated: 2012-06-04. Review status: criteria provided, single submitter. Criteria: GeneDx Variant Classification (06012015). Collection method: clinical testing. Allele origin: germline. Affected: yes.
Comment: p.Arg281Gly (AGG>GGG): c.841 A>G in exon 7 of the DSP gene (NM_004415.2). The Arg281Gly variant in the DSP gene has not been previously reported as a disease-causing mutation or as a benign polymorphism to our knowledge. Arg281Gly results in a non-conservative amino acid substitution of a positively charged Arginine to a non-polar Glycine at a position that is moderately conserved in other species. However, the NHLBI ESP Exome Variant Server reports Arg281Gly was observed in 1/3737 alleles from individuals of African American background. Therefore, the clinical significance of the Arg281Gly variant in the DSP gene is currently unknown. The variant is found in ARVC panel(s).

NM_004415.4(DSP):c.841A>G (p.Arg281Gly)

Gene: DSP (desmoplakin; plus strand). Cytogenetic location: 6p24.3.
Variant type: single nucleotide variant.
Coding change: c.841A>G on transcript NM_004415.4 (MANE Select); coding-DNA position 841, A replaced by G.
Protein change: p.Arg281Gly; replaces arginine 281 with glycine.
Molecular consequence: missense variant.
Genome position (GRCh38, 1-based): chr6:7,565,422, A>G. VCF-style: chr6-7565422-A-G. GRCh37 (hg19) VCF-style: chr6-7565655-A-G.
Other names: p.R281G:AGG>GGG; c.841A>G, p.Arg281Gly (NM_001008844.3, NM_001319034.2); c.841A>G (LRG_423t1); short protein forms R281G.
Identifiers: ClinVar variation 199853 (VCV000199853.2), dbSNP rs377715523, ClinGen allele CA007533.
Genomic context (GRCh38, chr6:7,565,422, plus strand): 5'-GCGTCCTTTGAGAGGATGGATCACCTGCGACAGCTGCAGAACATCATTCAGGCCACGTCC[A>G]GGGAGATCATGTGGATCAATGACTGCGAGGAGGAGGAGCTGCTGTACGACTGGAGCGACA-3'
Protein context (NP_004406.2, residues 271-291): QLQNIIQATS[Arg281Gly]EIMWINDCEE